The following is an entry in ClinVar:

ClinVar aggregate classification (germline): Uncertain significance. Review status: criteria provided, multiple submitters, no conflicts (2 of 4 stars). 3 submissions from 3 submitters: Uncertain significance (3). Last evaluated 2024-01-02.

Conditions:
Autoinflammatory syndrome. Identifiers: Orphanet 93665, MedGen C3890737, MONDO:0019751.
Inborn genetic diseases. Identifiers: MedGen C0950123, MeSH D030342.
Sterile multifocal osteomyelitis with periostitis and pustulosis. Also called: CHRONIC RECURRENT MULTIFOCAL OSTEOMYELITIS 2, WITH PERIOSTITIS AND PUSTULOSIS. Identifiers: Orphanet 210115, MedGen C2748507, MONDO:0013021, OMIM 612852.

gnomAD v4.1: 17 of 1,613,930 alleles (0.0011%); highest among the groups gnomAD compares: Non-Finnish European, 0.0013%; no homozygotes.

Submissions (3):

Ambry Genetics
Classification: Uncertain significance for Inborn genetic diseases. Last evaluated: 2024-01-02. Review status: criteria provided, single submitter. Criteria: Ambry Variant Classification Scheme 2023. Collection method: clinical testing. Allele origin: germline.

Labcorp Genetics (formerly Invitae), Labcorp
Classification: Uncertain significance for Sterile multifocal osteomyelitis with periostitis and pustulosis. Last evaluated: 2022-08-09. Review status: criteria provided, single submitter. Criteria: Invitae Variant Classification Sherloc (09022015). Collection method: clinical testing. Allele origin: germline.
Comment: In summary, the available evidence is currently insufficient to determine the role of this variant in disease. Therefore, it has been classified as a Variant of Uncertain Significance. Algorithms developed to predict the effect of missense changes on protein structure and function (SIFT, PolyPhen-2, Align-GVGD) all suggest that this variant is likely to be tolerated. ClinVar contains an entry for this variant (Variation ID: 1496125). This variant has not been reported in the literature in individuals affected with IL1RN-related conditions. This variant is present in population databases (rs758363942, gnomAD 0.005%). This sequence change replaces arginine, which is basic and polar, with glutamine, which is neutral and polar, at codon 29 of the IL1RN protein (p.Arg29Gln).

Genome Diagnostics Laboratory, The Hospital for Sick Children
Classification: Uncertain significance for Autoinflammatory syndrome. Last evaluated: 2019-12-01. Review status: criteria provided, single submitter. Criteria: ACMG Guidelines, 2015. Collection method: clinical testing. Allele origin: germline. Affected: yes.

NM_173842.3(IL1RN):c.77G>A (p.Arg26Gln)

Gene: IL1RN (interleukin 1 receptor antagonist; plus strand). Cytogenetic location: 2q14.1.
Variant type: single nucleotide variant.
Coding change: c.77G>A on transcript NM_173842.3 (MANE Select); coding-DNA position 77, G replaced by A.
Protein change: p.Arg26Gln; replaces arginine 26 with glutamine.
Molecular consequence: missense variant. On other transcripts: 5 prime UTR variant (3).
Genome position (GRCh38, 1-based): chr2:113,127,701, G>A. VCF-style: chr2-113127701-G-A. GRCh37 (hg19) VCF-style: chr2-113885278-G-A.
Other names: c.-26G>A (NM_001318914.2, NM_001379360.1, NM_173843.3); c.86G>A, p.Arg29Gln (NM_173841.3); c.23G>A, p.Arg8Gln (NM_000577.5); short protein forms R29Q, R8Q, R26Q.
Identifiers: ClinVar variation 1496125 (VCV001496125.8), dbSNP rs758363942, ClinGen allele CA1838756.
Genomic context (GRCh38, chr2:113,127,701, plus strand): 5'-GCCTCCGCAGTCACCTAATCACTCTCCTCCTCTTCCTGTTCCATTCAGAGACGATCTGCC[G>A]ACCCTCTGGGAGAAAATCCAGCAAGATGCAAGCCTTCAGGTAAGGCTACCCCAAGGAGGA-3'
Protein context (NP_776214.1, residues 16-36): LFLFHSETIC[Arg26Gln]PSGRKSSKMQ